The following is an entry in ClinVar:

ClinVar aggregate classification (germline): Uncertain significance (1 of 4 stars; one submission).

Conditions:
Periodic fever-infantile enterocolitis-autoinflammatory syndrome. Also called: Autoinflammation with infantile enterocolitis. Identifiers: Orphanet 436166, MedGen C4015067, MONDO:0014472, OMIM 616050.
Familial cold autoinflammatory syndrome 4 (FCAS4). Identifiers: Orphanet 47045, Orphanet 576349, MedGen C4015276, MONDO:0014498, OMIM 616115.

gnomAD v4.1: 1 of 1,614,114 alleles (0.000062%); highest among the groups gnomAD compares: Non-Finnish European, 0.000085%; no homozygotes.

Submission:

Labcorp Genetics (formerly Invitae), Labcorp
Classification: Uncertain significance for Periodic fever-infantile enterocolitis-autoinflammatory syndrome; Familial cold autoinflammatory syndrome 4. Last evaluated: 2025-10-13. Review status: criteria provided, single submitter. Criteria: Invitae Variant Classification Sherloc (09022015). Collection method: clinical testing. Allele origin: germline.
Comment: This sequence change replaces valine, which is neutral and non-polar, with alanine, which is neutral and non-polar, at codon 243 of the NLRC4 protein (p.Val243Ala). This variant is not present in population databases (gnomAD no frequency). This variant has not been reported in the literature in individuals affected with NLRC4-related conditions. Invitae Evidence Modeling of protein sequence and biophysical properties (such as structural, functional, and spatial information, amino acid conservation, physicochemical variation, residue mobility, and thermodynamic stability) indicates that this missense variant is expected to disrupt NLRC4 protein function with a positive predictive value of 80%. In summary, the available evidence is currently insufficient to determine the role of this variant in disease. Therefore, it has been classified as a Variant of Uncertain Significance.

NM_001199138.2(NLRC4):c.728T>C (p.Val243Ala)

Gene: NLRC4 (NLR family CARD domain containing 4; minus strand). Cytogenetic location: 2p22.3.
Variant type: single nucleotide variant.
Coding change: c.728T>C on transcript NM_001199138.2 (MANE Select); coding-DNA position 728, T replaced by C.
Protein change: p.Val243Ala; replaces valine 243 with alanine.
Molecular consequence: missense variant. On other transcripts: intron variant (1).
Genome position (GRCh38, 1-based): chr2:32,251,136, A>G on the plus strand (T>C on the coding strand, the complement: NLRC4 is on the minus strand). VCF-style: chr2-32251136-A-G. GRCh37 (hg19) VCF-style: chr2-32476205-A-G.
Other names: c.728T>C, p.Val243Ala (NM_001199139.2, NM_021209.5); c.262+1283T>C (NM_001302504.1); short protein forms V243A.
Identifiers: ClinVar variation 4783308 (VCV004783308.1).
Genomic context (GRCh38, chr2:32,251,136, plus strand): 5'-GCTTCGATTTCTGGGCAGTTCTGGGGCTTGAATTCATTGTAGCCATCAAGAAGGAAAAGA[A>G]CCCTCTGCCGCAGCTTCAGCAGCATGGCCATGAATGTCTGCTTCCTGATTGTGCCAGGTA-3'
Protein context (NP_001186067.1, residues 233-253): MAMLLKLRQR[Val243Ala]LFLLDGYNEF